The following is an entry in ClinVar:

ClinVar aggregate classification (germline): Uncertain significance. Review status: criteria provided, single submitter (1 of 4 stars). 2 submissions from 2 submitters: Uncertain significance (1). 1 of the submissions does not count toward it. Last evaluated 2024-11-18.

Conditions:
Zellweger spectrum disorders (ZS). Also called: Zellweger syndrome; Zellweger Spectrum Disorder; Zellweger Spectrum; Zellweger Spectrum Disorder (ZSD). Identifiers: Orphanet 912, MedGen C0043459, MONDO:0019609.

Allele frequency attached by ClinVar (database versions not stated): gnomAD 0.00001; gnomAD exomes 0.00001; TOPMed 0.00001.
gnomAD v4.1: 19 of 1,612,802 alleles (0.0012%); highest among the groups gnomAD compares: Admixed American, 0.0033%; no homozygotes.

Submissions (2):

Labcorp Genetics (formerly Invitae), Labcorp
Classification: Uncertain significance for Zellweger spectrum disorders. Last evaluated: 2024-11-18. Review status: criteria provided, single submitter. Criteria: Invitae Variant Classification Sherloc (09022015). Collection method: clinical testing. Allele origin: germline.
Comment: This sequence change replaces isoleucine, which is neutral and non-polar, with valine, which is neutral and non-polar, at codon 903 of the PEX1 protein (p.Ile903Val). This variant is present in population databases (no rsID available, gnomAD 0.006%). This variant has not been reported in the literature in individuals affected with PEX1-related conditions. ClinVar contains an entry for this variant (Variation ID: 1053202). Invitae Evidence Modeling of protein sequence and biophysical properties (such as structural, functional, and spatial information, amino acid conservation, physicochemical variation, residue mobility, and thermodynamic stability) indicates that this missense variant is expected to disrupt PEX1 protein function with a positive predictive value of 95%. Algorithms developed to predict the effect of sequence changes on RNA splicing suggest that this variant may create or strengthen a splice site. In summary, the available evidence is currently insufficient to determine the role of this variant in disease. Therefore, it has been classified as a Variant of Uncertain Significance.

Natera, Inc.
Classification: Uncertain significance for Zellweger syndrome. Last evaluated: 2018-06-09. Review status: no assertion criteria provided. Collection method: clinical testing. Allele origin: germline. Not counted in ClinVar's aggregate classification.

NM_000466.3(PEX1):c.2707A>G (p.Ile903Val)

Gene: PEX1 (peroxisomal biogenesis factor 1; minus strand). Cytogenetic location: 7q21.2.
Variant type: single nucleotide variant.
Coding change: c.2707A>G on transcript NM_000466.3 (MANE Select); coding-DNA position 2707, A replaced by G.
Protein change: p.Ile903Val; replaces isoleucine 903 with valine.
Molecular consequence: missense variant.
Genome position (GRCh38, 1-based): chr7:92,499,715, T>C on the plus strand (A>G on the coding strand, the complement: PEX1 is on the minus strand). VCF-style: chr7-92499715-T-C. GRCh37 (hg19) VCF-style: chr7-92129029-T-C.
Other names: c.2536A>G, p.Ile846Val (NM_001282677.2); c.2083A>G, p.Ile695Val (NM_001282678.2); short protein forms I695V, I846V, I903V.
Identifiers: ClinVar variation 1053202 (VCV001053202.10), dbSNP rs1009218596, ClinGen allele CA161958737.